The following is an entry in ClinVar:

ClinVar aggregate classification (germline): Uncertain significance (1 of 4 stars; one submission).

Conditions:
Aicardi-Goutieres syndrome 7 (AGS7). Identifiers: Orphanet 51, MedGen C3888244, MONDO:0014367, OMIM 615846.
Singleton-Merten syndrome 1 (SGMRT1). Also called: Widened medullary cavities of bone, aortic calcification, abnormal dentition, and muscular weakness; Syndrome of widened medullary cavities of the metacarpals and phalanges, aortic calcification and abnormal dentition. Identifiers: Orphanet 85191, MedGen C4225427, MONDO:0024535, OMIM 182250.

gnomAD v4.1: 5 of 1,613,214 alleles (0.00031%); highest among the groups gnomAD compares: East Asian, 0.011%; no homozygotes.

Submission:

Labcorp Genetics (formerly Invitae), Labcorp
Classification: Uncertain significance for Aicardi-Goutieres syndrome 7; Singleton-Merten syndrome 1. Last evaluated: 2025-10-11. Review status: criteria provided, single submitter. Criteria: Invitae Variant Classification Sherloc (09022015). Collection method: clinical testing. Allele origin: germline.
Comment: This sequence change replaces arginine, which is basic and polar, with leucine, which is neutral and non-polar, at codon 618 of the IFIH1 protein (p.Arg618Leu). This variant is not present in population databases (gnomAD no frequency). This variant has not been reported in the literature in individuals affected with IFIH1-related conditions. Invitae Evidence Modeling of protein sequence and biophysical properties (such as structural, functional, and spatial information, amino acid conservation, physicochemical variation, residue mobility, and thermodynamic stability) has been performed for this missense variant. However, the output from this modeling did not meet the statistical confidence thresholds required to predict the impact of this variant on IFIH1 protein function. In summary, the available evidence is currently insufficient to determine the role of this variant in disease. Therefore, it has been classified as a Variant of Uncertain Significance.

NM_022168.4(IFIH1):c.1853G>T (p.Arg618Leu)

Gene: IFIH1 (interferon induced with helicase C domain 1; minus strand). Cytogenetic location: 2q24.2.
Variant type: single nucleotide variant.
Coding change: c.1853G>T on transcript NM_022168.4 (MANE Select); coding-DNA position 1853, G replaced by T.
Protein change: p.Arg618Leu; replaces arginine 618 with leucine.
Molecular consequence: missense variant.
Genome position (GRCh38, 1-based): chr2:162,277,606, C>A on the plus strand (G>T on the coding strand, the complement: IFIH1 is on the minus strand). VCF-style: chr2-162277606-C-A. GRCh37 (hg19) VCF-style: chr2-163134116-C-A.
Other names: short protein forms R618L.
Identifiers: ClinVar variation 4783415 (VCV004783415.1).
Genomic context (GRCh38, chr2:162,277,606, plus strand): 5'-AACTTCTTATCTTTCTCTTCATTATAGAAAGTTTCAAGATGAGTATACGCATCTATCATT[C>A]GAATTGTGTCATTAATTTGTAGGGCCTCATTGTACTTCCTCAAATGTTCTGCACAAACAC-3'
Protein context (NP_071451.2, residues 608-628): NEALQINDTI[Arg618Leu]MIDAYTHLET